The following is an entry in ClinVar:

ClinVar aggregate classification (germline): Uncertain significance (1 of 4 stars; one submission).

Conditions:
Renal cell carcinoma. Identifiers: Orphanet 217071, MedGen C0007134, MeSH D002292, MONDO:0005086, HP:0005584.

Submission:

Labcorp Genetics (formerly Invitae), Labcorp
Classification: Uncertain significance for Renal cell carcinoma. Last evaluated: 2022-02-20. Review status: criteria provided, single submitter. Criteria: Invitae Variant Classification Sherloc (09022015). Collection method: clinical testing. Allele origin: germline.
Comment: This variant has not been reported in the literature in individuals affected with MET-related conditions. ClinVar contains an entry for this variant (Variation ID: 1034465). Algorithms developed to predict the effect of missense changes on protein structure and function are either unavailable or do not agree on the potential impact of this missense change (SIFT: "Deleterious"; PolyPhen-2: "Benign"; Align-GVGD: "Class C15"). In summary, the available evidence is currently insufficient to determine the role of this variant in disease. Therefore, it has been classified as a Variant of Uncertain Significance. This variant is not present in population databases (gnomAD no frequency). This sequence change replaces serine, which is neutral and polar, with phenylalanine, which is neutral and non-polar, at codon 468 of the MET protein (p.Ser468Phe).

NM_000245.4(MET):c.1403C>T (p.Ser468Phe)

Gene: MET (MET proto-oncogene, receptor tyrosine kinase; plus strand). Cytogenetic location: 7q31.2.
Variant type: single nucleotide variant.
Coding change: c.1403C>T on transcript NM_000245.4 (MANE Select); coding-DNA position 1403, C replaced by T.
Protein change: p.Ser468Phe; replaces serine 468 with phenylalanine.
Molecular consequence: missense variant.
Genome position (GRCh38, 1-based): chr7:116,739,960, C>T. VCF-style: chr7-116739960-C-T. GRCh37 (hg19) VCF-style: chr7-116380014-C-T.
Other names: c.1403C>T, p.Ser468Phe (NM_001127500.3, NM_001324401.3); c.113C>T, p.Ser38Phe (NM_001324402.2); short protein forms S468F, S38F.
Identifiers: ClinVar variation 1034465 (VCV001034465.10), dbSNP rs1793378040, ClinGen allele CA368974026.